The following is an entry in ClinVar:

ClinVar aggregate classification (germline): Uncertain significance (0 of 4 stars; one submission).

Submission:

Department of Pathology and Laboratory Medicine, Sinai Health System
Classification: Uncertain significance. Review status: no assertion criteria provided. Collection method: clinical testing. Allele origin: unknown. Affected: yes. Study: The Canadian Open Genetics Repository (COGR).
Comment: The PIEZO1 p.Phe1979Leu variant was not identified in the literature nor was it identified in dbSNP, ClinVar or LOVD 3.0. The variant was also not identified in the following control databases: the 1000 Genomes Project, the NHLBI GO Exome Sequencing Project, the Exome Aggregation Consortium (August 8th 2016), or the Genome Aggregation Database (March 6, 2019, v2.1.1). The p.Phe1979 residue is conserved in mammals and computational analyses (PolyPhen-2, SIFT, AlignGVGD, BLOSUM, MutationTaster) provide inconsistent predictions regarding the impact to the protein; this information is not very predictive of pathogenicity. The variant occurs outside of the splicing consensus sequence and in silico or computational prediction software programs (SpliceSiteFinder, MaxEntScan, NNSPLICE, GeneSplicer) do not predict a difference in splicing. In summary, based on the above information the clinical significance of this variant cannot be determined with certainty at this time. This variant is classified as a variant of uncertain significance.

NM_001142864.4(PIEZO1):c.5937C>G (p.Phe1979Leu)

Gene: PIEZO1 (piezo type mechanosensitive ion channel component 1 (Er blood group); minus strand). Cytogenetic location: 16q24.3.
Variant type: single nucleotide variant.
Coding change: c.5937C>G on transcript NM_001142864.4 (MANE Select); coding-DNA position 5937, C replaced by G.
Protein change: p.Phe1979Leu; replaces phenylalanine 1979 with leucine.
Molecular consequence: missense variant.
Genome position (GRCh38, 1-based): chr16:88,720,397, G>C on the plus strand (C>G on the coding strand, the complement: PIEZO1 is on the minus strand). VCF-style: chr16-88720397-G-C. GRCh37 (hg19) VCF-style: chr16-88786805-G-C.
Other names: short protein forms F1979L.
Identifiers: ClinVar variation 1050291 (VCV001050291.1), dbSNP rs1236012452, ClinGen allele CA397086612.
Genomic context (GRCh38, chr16:88,720,397, plus strand): 5'-GCTGCTGAGCTCTGCGTACACTGGGTTTGGGTCCCGGGCCTGGCTCACCCCAAAGGCCCA[G>C]AAGCCAAAAATGATGATGATGAAGTCGACAACATCAGCCAGGAACATGAGGGCATAGACG-3'
Protein context (NP_001136336.2, residues 1969-1989): VVDFIIIIFG[Phe1979Leu]WAFGKHSAAT